The following is an entry in ClinVar:

NM_001083961.2(WDR62):c.1342T>A (p.Ser448Thr)

Gene: WDR62 (WD repeat domain 62; plus strand). Cytogenetic location: 19q13.12.
Variant type: single nucleotide variant.
Coding change: c.1342T>A on transcript NM_001083961.2 (MANE Select); coding-DNA position 1342, T replaced by A.
Protein change: p.Ser448Thr; replaces serine 448 with threonine.
Molecular consequence: missense variant.
Genome position (GRCh38, 1-based): chr19:36,081,541, T>A. VCF-style: chr19-36081541-T-A. GRCh37 (hg19) VCF-style: chr19-36572443-T-A.
Other names: c.1342T>A, p.Ser448Thr (NM_173636.5); short protein forms S448T.
Identifiers: ClinVar variation 286945 (VCV000286945.13), dbSNP rs144072948, ClinGen allele CA9395564.
Genomic context (GRCh38, chr19:36,081,541, plus strand): 5'-TTTCTGACTTGTTCTTCAGACAACACCATTCGCTTCTGGAACTTGGACAGCAGCCCTGAT[T>A]CTCACTGGCAGAAAAACATCTTCAGCAATGTGAGTGGCTTCCTTTGTGAACCATCTTTCA-3'
Protein context (NP_001077430.1, residues 438-458): RFWNLDSSPD[Ser448Thr]HWQKNIFSNT

ClinVar aggregate classification (germline): Uncertain significance. Review status: criteria provided, multiple submitters, no conflicts (2 of 4 stars). 4 submissions from 4 submitters: Uncertain significance (4). Last evaluated 2024-04-27.

Conditions:
Inborn genetic diseases. Identifiers: MedGen C0950123, MeSH D030342.

Allele frequency attached by ClinVar (database versions not stated): gnomAD exomes 0.00001 and 0.00002; ExAC 0.00003; gnomAD 0.00010 and 0.00011; TOPMed 0.00012; ESP Exome Variant Server 0.00023.

Submissions (4):

Ambry Genetics
Classification: Uncertain significance for Inborn genetic diseases. Last evaluated: 2024-04-27. Review status: criteria provided, single submitter. Criteria: Ambry Variant Classification Scheme 2023. Collection method: clinical testing. Allele origin: germline.

Labcorp Genetics (formerly Invitae), Labcorp
Classification: Uncertain significance. Last evaluated: 2021-11-08. Review status: criteria provided, single submitter. Criteria: Invitae Variant Classification Sherloc (09022015). Collection method: clinical testing. Allele origin: germline.
Comment: This sequence change replaces serine, which is neutral and polar, with threonine, which is neutral and polar, at codon 448 of the WDR62 protein (p.Ser448Thr). This variant is present in population databases (rs144072948, gnomAD 0.02%). This variant has not been reported in the literature in individuals affected with WDR62-related conditions. ClinVar contains an entry for this variant (Variation ID: 286945). Algorithms developed to predict the effect of missense changes on protein structure and function output the following: SIFT: "Tolerated"; PolyPhen-2: "Benign"; Align-GVGD: "Class C0". The threonine amino acid residue is found in multiple mammalian species, which suggests that this missense change does not adversely affect protein function. In summary, the available evidence is currently insufficient to determine the role of this variant in disease. Therefore, it has been classified as a Variant of Uncertain Significance.

Eurofins Ntd Llc (ga)
Classification: Uncertain significance. Last evaluated: 2016-04-05. Review status: criteria provided, single submitter. Criteria: EGL Classification Definitions 2015. Collection method: clinical testing. Allele origin: germline. Observed: 1 variant allele, 1 heterozygote.

Genetic Services Laboratory, University of Chicago
Classification: Uncertain significance. Last evaluated: 2015-12-11. Review status: criteria provided, single submitter. Criteria: ACMG Guidelines, 2015. Collection method: clinical testing. Allele origin: germline. Affected: no.